The following is an entry in ClinVar:

ClinVar aggregate classification (germline): Uncertain significance (1 of 4 stars; one submission).

Conditions:
Naxos disease (NXD). Also called: WOOLLY HAIR, PALMOPLANTAR KERATODERMA, AND CARDIAC ABNORMALITIES; KERATOSIS PALMOPLANTARIS WITH ARRHYTHMOGENIC CARDIOMYOPATHY; CARDIOMYOPATHY, ARRHYTHMOGENIC RIGHT VENTRICULAR, WITH SKIN, HAIR, AND NAIL ABNORMALITIES; MAL DE NAXOS; PALMOPLANTAR KERATODERMA WITH ARRHYTHMOGENIC RIGHT VENTRICULAR CARDIOMYOPATHY AND WOOLLY HAIR. Identifiers: Orphanet 34217, MedGen C1832600, MONDO:0011017, OMIM 601214.
Arrhythmogenic right ventricular dysplasia 12. Also called: ARRHYTHMOGENIC RIGHT VENTRICULAR DYSPLASIA, FAMILIAL, 12. Identifiers: MedGen C1969081, MONDO:0012684, OMIM 611528.

gnomAD v4.1: 5 of 1,614,250 alleles (0.00031%); highest among the groups gnomAD compares: South Asian, 0.0055%; no homozygotes.

Submission:

Labcorp Genetics (formerly Invitae), Labcorp
Classification: Uncertain significance for Arrhythmogenic right ventricular dysplasia 12; Naxos disease. Last evaluated: 2019-12-27. Review status: criteria provided, single submitter. Criteria: Invitae Variant Classification Sherloc (09022015). Collection method: clinical testing. Allele origin: germline.
Comment: In summary, the available evidence is currently insufficient to determine the role of this variant in disease. Therefore, it has been classified as a Variant of Uncertain Significance. Algorithms developed to predict the effect of sequence changes on RNA splicing suggest that this variant is not likely to affect RNA splicing, but this prediction has not been confirmed by published transcriptional studies. This variant has not been reported in the literature in individuals with JUP-related conditions. This variant is not present in population databases (ExAC no frequency). This sequence change affects codon 682 of the JUP mRNA. It is a 'silent' change, meaning that it does not change the encoded amino acid sequence of the JUP protein.

NM_002230.4(JUP):c.2046T>C (p.Ala682=)

Gene: JUP (junction plakoglobin; minus strand). Cytogenetic location: 17q21.2.
Variant type: single nucleotide variant.
Coding change: c.2046T>C on transcript NM_002230.4 (MANE Select); coding-DNA position 2046, T replaced by C.
Protein change: p.Ala682=; no amino-acid change (alanine 682 retained).
Molecular consequence: synonymous variant.
Genome position (GRCh38, 1-based): chr17:41,757,415, A>G on the plus strand (T>C on the coding strand, the complement: JUP is on the minus strand). VCF-style: chr17-41757415-A-G. GRCh37 (hg19) VCF-style: chr17-39913667-A-G.
Other names: c.2046T>C, p.Ala682= (NM_001352773.2, NM_001352774.2, NM_001352775.2 and 3 more transcripts).
Identifiers: ClinVar variation 860789 (VCV000860789.8), dbSNP rs782632671, ClinGen allele CA500021059.